The following is an entry in ClinVar:

ClinVar aggregate classification (germline): Likely benign. Review status: criteria provided, multiple submitters, no conflicts (2 of 4 stars). 2 submissions from 2 submitters: Likely benign (2). Last evaluated 2017-04-27.

Conditions:
Hirschsprung disease, susceptibility to, 3. Identifiers: Orphanet 388, MedGen C3150974, MONDO:0013383, OMIM 613711.

Allele frequency attached by ClinVar (database versions not stated): 1000 Genomes Project 30x 0.00312; 1000 Genomes Project 0.00319; gnomAD 0.00553 and 0.00564; TOPMed 0.00628.
gnomAD v4.1: 7,648 of 1,187,392 alleles (0.64%); highest among the groups gnomAD compares: Middle Eastern, 1.8%; 40 homozygotes.

Submissions (2):

Illumina Laboratory Services, Illumina
Classification: Likely benign for Hirschsprung disease, susceptibility to, 3. Last evaluated: 2017-04-27. Review status: criteria provided, single submitter. Criteria: ICSL Variant Classification Criteria 13 December 2019. Collection method: clinical testing. Allele origin: germline.
Comment: This variant was observed as part of a predisposition screen in an ostensibly healthy population. A literature search was performed for the gene, cDNA change, and amino acid change (where applicable). No publications were found based on this search. Allele frequency data from public databases allowed determination this variant is unlikely to cause disease. Therefore, this variant is classified as likely benign.

Breakthrough Genomics
Classification: Likely benign. Review status: criteria provided, single submitter. Criteria: ACMG Guidelines, 2015. Collection method: not provided. Allele origin: germline. Inheritance: Autosomal dominant inheritance. Affected: yes.

NM_000514.4(GDNF):c.*93A>T

Gene: GDNF (glial cell derived neurotrophic factor; minus strand). Cytogenetic location: 5p13.2.
Variant type: single nucleotide variant.
Coding change: c.*93A>T on transcript NM_000514.4 (MANE Select); 93 bases downstream of the stop codon, A replaced by T.
Molecular consequence: 3 prime UTR variant.
Genome position (GRCh38, 1-based): chr5:37,815,558, T>A on the plus strand (A>T on the coding strand, the complement: GDNF is on the minus strand). VCF-style: chr5-37815558-T-A. GRCh37 (hg19) VCF-style: chr5-37815660-T-A.
Other names: c.*93A>T (NM_001190468.1, NM_001190469.1, NM_001278098.1 and 1 more transcripts).
Identifiers: ClinVar variation 353519 (VCV000353519.6), dbSNP rs45535335, ClinGen allele CA10620388.